The following is an entry in ClinVar:

ClinVar aggregate classification (germline): Uncertain significance. Review status: criteria provided, multiple submitters, no conflicts (2 of 4 stars). 5 submissions from 5 submitters: Uncertain significance (4). 1 of the submissions does not count toward it. Last evaluated 2024-07-16.

Conditions:
Inborn genetic diseases. Identifiers: MedGen C0950123, MeSH D030342.
Usher syndrome type 1C. Also called: USHER SYNDROME, TYPE I, ACADIAN VARIETY. Identifiers: Orphanet 231169, Orphanet 886, MedGen C1848604, MONDO:0010171, OMIM 276904.

Allele frequency attached by ClinVar (database versions not stated): gnomAD exomes 0.00003; TOPMed 0.00005; gnomAD 0.00008 and 0.00009; ExAC 0.00010.
gnomAD v4.1: 96 of 1,614,018 alleles (0.0059%); highest among the groups gnomAD compares: Non-Finnish European, 0.0068%; no homozygotes.

Submissions (5):

GeneDx
Classification: Uncertain significance. Last evaluated: 2024-07-16. Review status: criteria provided, single submitter. Criteria: GeneDx Variant Classification Process June 2021. Collection method: clinical testing. Allele origin: germline. Affected: yes.
Comment: Not observed at significant frequency in large population cohorts (gnomAD); In silico analysis indicates that this missense variant does not alter protein structure/function; Has not been previously published as pathogenic or benign to our knowledge

Ambry Genetics
Classification: Uncertain significance for Inborn genetic diseases. Last evaluated: 2024-06-26. Review status: criteria provided, single submitter. Criteria: Ambry Variant Classification Scheme 2023. Collection method: clinical testing. Allele origin: germline.

Labcorp Genetics (formerly Invitae), Labcorp
Classification: Uncertain significance. Last evaluated: 2022-06-13. Review status: criteria provided, single submitter. Criteria: Invitae Variant Classification Sherloc (09022015). Collection method: clinical testing. Allele origin: germline.
Comment: This sequence change replaces arginine, which is basic and polar, with histidine, which is basic and polar, at codon 400 of the USH1C protein (p.Arg400His). This variant is present in population databases (rs750721690, gnomAD 0.007%). This variant has not been reported in the literature in individuals affected with USH1C-related conditions. ClinVar contains an entry for this variant (Variation ID: 500986). Algorithms developed to predict the effect of missense changes on protein structure and function output the following: SIFT: "Tolerated"; PolyPhen-2: "Possibly Damaging"; Align-GVGD: "Class C0". The histidine amino acid residue is found in multiple mammalian species, which suggests that this missense change does not adversely affect protein function. In summary, the available evidence is currently insufficient to determine the role of this variant in disease. Therefore, it has been classified as a Variant of Uncertain Significance.

Eurofins Ntd Llc (ga)
Classification: Uncertain significance. Last evaluated: 2018-09-06. Review status: criteria provided, single submitter. Criteria: EGL ClinVar v180209 classification definitions. Collection method: clinical testing. Allele origin: germline. Observed: 2 variant alleles, 2 heterozygotes.

Natera, Inc.
Classification: Uncertain significance for Usher syndrome type 1C. Last evaluated: 2019-11-11. Review status: no assertion criteria provided. Collection method: clinical testing. Allele origin: germline. Not counted in ClinVar's aggregate classification.

NM_153676.4(USH1C):c.1199G>A (p.Arg400His)

Gene: USH1C (USH1 protein network component harmonin; minus strand). Cytogenetic location: 11p15.1.
Variant type: single nucleotide variant.
Coding change: c.1199G>A on transcript NM_153676.4 (MANE Select); coding-DNA position 1199, G replaced by A.
Protein change: p.Arg400His; replaces arginine 400 with histidine.
Molecular consequence: missense variant. On other transcripts: non-coding transcript variant (1).
Genome position (GRCh38, 1-based): chr11:17,520,881, C>T on the plus strand (G>A on the coding strand, the complement: USH1C is on the minus strand). VCF-style: chr11-17520881-C-T. GRCh37 (hg19) VCF-style: chr11-17542428-C-T.
Other names: c.1142G>A, p.Arg381His (NM_001297764.2); c.1199G>A, p.Arg400His (NM_005709.4); short protein forms R400H, R381H.
Identifiers: ClinVar variation 500986 (VCV000500986.9), dbSNP rs750721690, ClinGen allele CA5904692.